The following is an entry in ClinVar:

ClinVar aggregate classification (germline): Conflicting classifications of pathogenicity. Review status: criteria provided, conflicting classifications (1 of 4 stars). 2 submissions from 2 submitters: Uncertain significance (1); Benign (1). Last evaluated 2022-07-19.

Allele frequency attached by ClinVar (database versions not stated): gnomAD exomes below 0.00001; TOPMed below 0.00001; ExAC 0.00001; gnomAD 0.00001.
gnomAD v4.1: 2 of 1,613,318 alleles (0.00012%); highest among the groups gnomAD compares: Non-Finnish European, 0.00017%; no homozygotes.

Submissions (2):

Labcorp Genetics (formerly Invitae), Labcorp
Classification: Uncertain significance. Last evaluated: 2022-07-19. Review status: criteria provided, single submitter. Criteria: Invitae Variant Classification Sherloc (09022015). Collection method: clinical testing. Allele origin: germline.
Comment: This sequence change replaces valine, which is neutral and non-polar, with isoleucine, which is neutral and non-polar, at codon 1676 of the USH2A protein (p.Val1676Ile). This variant is present in population databases (rs768619553, gnomAD 0.006%). This variant has not been reported in the literature in individuals affected with USH2A-related conditions. ClinVar contains an entry for this variant (Variation ID: 1245451). Algorithms developed to predict the effect of missense changes on protein structure and function output the following: SIFT: "Tolerated"; PolyPhen-2: "Benign"; Align-GVGD: "Class C0". The isoleucine amino acid residue is found in multiple mammalian species, which suggests that this missense change does not adversely affect protein function. In summary, the available evidence is currently insufficient to determine the role of this variant in disease. Therefore, it has been classified as a Variant of Uncertain Significance.

GeneDx
Classification: Benign. Last evaluated: 2015-03-03. Review status: criteria provided, single submitter. Criteria: GeneDx Variant Classification Process June 2021. Collection method: clinical testing. Allele origin: germline. Affected: yes.

NM_206933.4(USH2A):c.5026G>A (p.Val1676Ile)

Genes: USH2A (usherin; minus strand), USH2A-AS2 (USH2A antisense RNA 2; plus strand). Cytogenetic location: 1q41.
Variant type: single nucleotide variant.
Coding change: c.5026G>A on transcript NM_206933.4 (MANE Select); coding-DNA position 5026, G replaced by A.
Protein change: p.Val1676Ile; replaces valine 1676 with isoleucine.
Molecular consequence: missense variant.
Genome position (GRCh38, 1-based): chr1:216,084,839, C>T on the plus strand (G>A on the coding strand, the complement: USH2A is on the minus strand). VCF-style: chr1-216084839-C-T. GRCh37 (hg19) VCF-style: chr1-216258181-C-T.
Other names: short protein forms V1676I.
Identifiers: ClinVar variation 1245451 (VCV001245451.5), dbSNP rs768619553, ClinGen allele CA1395552.